The following is an entry in ClinVar:

NM_002485.5(NBN):c.943A>G (p.Ile315Val)

Gene: NBN (nibrin; minus strand). Cytogenetic location: 8q21.3.
Variant type: single nucleotide variant.
Coding change: c.943A>G on transcript NM_002485.5 (MANE Select); coding-DNA position 943, A replaced by G.
Protein change: p.Ile315Val; replaces isoleucine 315 with valine.
Molecular consequence: missense variant.
Genome position (GRCh38, 1-based): chr8:89,964,461, T>C on the plus strand (A>G on the coding strand, the complement: NBN is on the minus strand). VCF-style: chr8-89964461-T-C. GRCh37 (hg19) VCF-style: chr8-90976689-T-C.
Other names: c.697A>G, p.Ile233Val (NM_001024688.3); short protein forms I315V, I233V.
Identifiers: ClinVar variation 239211 (VCV000239211.11), dbSNP rs878854517, ClinGen allele CA10582600.

ClinVar aggregate classification (germline): Uncertain significance. Review status: criteria provided, multiple submitters, no conflicts (2 of 4 stars). 2 submissions from 2 submitters: Uncertain significance (2). Last evaluated 2020-01-22.

Conditions:
Hereditary cancer-predisposing syndrome. Also called: Neoplastic Syndromes, Hereditary; Tumor predisposition; Hereditary neoplastic syndrome; Hereditary Cancer Syndrome. Identifiers: Orphanet 140162, MedGen C0027672, MeSH D009386, MONDO:0015356.
Microcephaly, normal intelligence and immunodeficiency (NBS). Also called: Ataxia telangiectasia variant V1; Nijmegen breakage syndrome; Microcephaly with normal intelligence immunodeficiency and lymphoreticular malignancies; Nonsyndromal microcephaly autosomal recessive with normal intelligence; Seemanova syndrome 2; IMMUNODEFICIENCY, MICROCEPHALY, AND CHROMOSOMAL INSTABILITY. Identifiers: Orphanet 647, MedGen C0398791, MONDO:0009623, OMIM 251260.

Allele frequency attached by ClinVar (database versions not stated): gnomAD exomes below 0.00001.
gnomAD v4.1: 2 of 1,612,914 alleles (0.00012%); highest among the groups gnomAD compares: Non-Finnish European, 0.00017%; no homozygotes.

Submissions (2):

Ambry Genetics
Classification: Uncertain significance for Hereditary cancer-predisposing syndrome. Last evaluated: 2020-01-22. Review status: criteria provided, single submitter. Criteria: Ambry Variant Classification Scheme 2023. Collection method: clinical testing. Allele origin: germline.
Comment: The p.I315V variant (also known as c.943A>G), located in coding exon 8 of the NBN gene, results from an A to G substitution at nucleotide position 943. The isoleucine at codon 315 is replaced by valine, an amino acid with highly similar properties. This amino acid position is highly conserved in available vertebrate species. In addition, this alteration is predicted to be tolerated by in silico analysis. Since supporting evidence is limited at this time, the clinical significance of this alteration remains unclear.

Labcorp Genetics (formerly Invitae), Labcorp
Classification: Uncertain significance for Microcephaly, normal intelligence and immunodeficiency. Last evaluated: 2015-11-19. Review status: criteria provided, single submitter. Criteria: Invitae Variant Classification Sherloc (09022015). Collection method: clinical testing. Allele origin: germline.
Comment: Algorithms developed to predict the effect of missense changes on protein structure and function (SIFT, PolyPhen-2, Align-GVGD) all suggest that this variant is likely to be tolerated, but these predictions have not been confirmed by published functional studies. Furthermore, the valine amino acid residue is found in multiple mammalian species, suggesting that this missense change does not adversely affect protein function. In summary, this is a novel missense change that is not predicted to affect protein function or cause disease. However the evidence is insufficient at this time to prove that conclusively. It has been classified as a Variant of Uncertain Significance. This variant is not present in population databases (ExAC no frequency) and has not been reported in the literature. This sequence change replaces isoleucine with valine at codon 315 of the NBN protein (p.Ile315Val). The isoleucine residue is highly conserved and there is a small physicochemical difference between isoleucine and valine.